The following is an entry in ClinVar:

ClinVar aggregate classification (germline): Uncertain significance. Review status: criteria provided, multiple submitters, no conflicts (2 of 4 stars). 2 submissions from 2 submitters: Uncertain significance (2). Last evaluated 2025-04-17.

Conditions:
Cardiovascular phenotype. Identifiers: MedGen CN230736.
Dilated cardiomyopathy 1G (CMD1G). Identifiers: Orphanet 154, MedGen C1858763, MONDO:0011400, OMIM 604145.
Autosomal recessive limb-girdle muscular dystrophy type 2J (LGMDR10). Also called: Limb-girdle muscular dystrophy, type 2J; MUSCULAR DYSTROPHY, LIMB-GIRDLE, AUTOSOMAL RECESSIVE 10. Identifiers: Orphanet 140922, MedGen C1837342, MONDO:0012127, OMIM 608807.

Allele frequency attached by ClinVar (database versions not stated): gnomAD exomes below 0.00001; TOPMed below 0.00001; ExAC 0.00001.
gnomAD v4.1: 1 of 1,611,142 alleles (0.000062%); highest among the groups gnomAD compares: East Asian, 0.0022%; no homozygotes.

Submissions (2):

Ambry Genetics
Classification: Uncertain significance for Cardiovascular phenotype. Last evaluated: 2025-04-17. Review status: criteria provided, single submitter. Criteria: Ambry Variant Classification Scheme 2023. Collection method: clinical testing. Allele origin: germline.
Comment: The c.64369+5G>A intronic variant results from a G to A substitution 5 nucleotides after coding exon 163 in the TTN gene. This nucleotide position is highly conserved in available vertebrate species. In silico splice site analysis for this alteration is inconclusive. Based on the available evidence, the clinical significance of this variant remains unclear.

Labcorp Genetics (formerly Invitae), Labcorp
Classification: Uncertain significance for Dilated cardiomyopathy 1G; Autosomal recessive limb-girdle muscular dystrophy type 2J. Last evaluated: 2022-12-06. Review status: criteria provided, single submitter. Criteria: Invitae Variant Classification Sherloc (09022015). Collection method: clinical testing. Allele origin: germline.
Comment: This sequence change falls in intron 336 of the TTN gene. It does not directly change the encoded amino acid sequence of the TTN protein. It affects a nucleotide within the consensus splice site. This variant is present in population databases (rs758591518, gnomAD 0.006%). This variant has not been reported in the literature in individuals affected with TTN-related conditions. ClinVar contains an entry for this variant (Variation ID: 643774). Variants that disrupt the consensus splice site are a relatively common cause of aberrant splicing (PMID: 17576681, 9536098). Algorithms developed to predict the effect of sequence changes on RNA splicing suggest that this variant may create or strengthen a splice site. This variant is located in the A band of TTN (PMID: 25589632). Variants in this region may be relevant for cardiac or neuromuscular disorders (PMID: 25589632, 23975875). In summary, the available evidence is currently insufficient to determine the role of this variant in disease. Therefore, it has been classified as a Variant of Uncertain Significance.

Literature cited by the submitters: PubMed 17576681 (cited by Labcorp Genetics (formerly Invitae), Labcorp); PubMed 9536098 (cited by Labcorp Genetics (formerly Invitae), Labcorp); PubMed 25589632 (cited by Labcorp Genetics (formerly Invitae), Labcorp); PubMed 23975875 (cited by Labcorp Genetics (formerly Invitae), Labcorp).

NM_001267550.2(TTN):c.91564+5G>A

Genes: TTN (titin; minus strand), TTN-AS1 (TTN antisense RNA 1; plus strand). Cytogenetic location: 2q31.2.
Variant type: single nucleotide variant.
Coding change: c.91564+5G>A on transcript NM_001267550.2 (MANE Select); 5 bases into the intron after coding-DNA position 91564, G replaced by A.
Molecular consequence: intron variant.
Genome position (GRCh38, 1-based): chr2:178,550,962, C>T on the plus strand (G>A on the coding strand, the complement: TTN is on the minus strand). VCF-style: chr2-178550962-C-T. GRCh37 (hg19) VCF-style: chr2-179415689-C-T.
Other names: c.64369+5G>A (NM_003319.4); c.64945+5G>A (NM_133437.4); c.64744+5G>A (NM_133432.3); c.83860+5G>A (NM_133378.4); c.86641+5G>A (NM_001256850.1).
Identifiers: ClinVar variation 643774 (VCV000643774.8), dbSNP rs758591518, ClinGen allele CA1987611.
Genomic context (GRCh38, chr2:178,550,962, plus strand): 5'-CCAAATGTGTTTTTTAAAAATGTGAATGCTCTTAGTCTCATTGGAAATAAGTTGTAAATG[C>T]TTACCATTTTCATCTCTTGTCATAATAATGCCAGAAGACTGTGAGGGCGGGCTTATAGTT-3'